The following is an entry in ClinVar:

NM_201384.3(PLEC):c.4247G>A (p.Arg1416His)

Gene: PLEC (plectin; minus strand). Cytogenetic location: 8q24.3.
Variant type: single nucleotide variant.
Coding change: c.4247G>A on transcript NM_201384.3 (MANE Select); coding-DNA position 4247, G replaced by A.
Protein change: p.Arg1416His; replaces arginine 1416 with histidine.
Molecular consequence: missense variant.
Genome position (GRCh38, 1-based): chr8:143,925,682, C>T on the plus strand (G>A on the coding strand, the complement: PLEC is on the minus strand). VCF-style: chr8-143925682-C-T. GRCh37 (hg19) VCF-style: chr8-144999850-C-T.
Other names: c.4328G>A (NM_000445.3, NM_000445.4); c.4328G>A, p.Arg1443His (NM_000445.5); c.4205G>A, p.Arg1402His (NM_201378.4); c.4181G>A, p.Arg1394His (NM_201379.3); c.4658G>A, p.Arg1553His (NM_201380.4); c.4151G>A, p.Arg1384His (NM_201381.3); c.4247G>A, p.Arg1416His (NM_201382.4); c.4259G>A, p.Arg1420His (NM_201383.3); short protein forms R1384H, R1394H, R1402H, R1416H, R1420H, R1443H, R1553H.
Identifiers: ClinVar variation 497109 (VCV000497109.19), dbSNP rs565291398, ClinGen allele CA4926721.

ClinVar aggregate classification (germline): Conflicting classifications of pathogenicity. Review status: criteria provided, conflicting classifications (1 of 4 stars). 6 submissions from 6 submitters: Uncertain significance (4); Likely benign (2). Last evaluated 2026-03-12.

Conditions:
Inborn genetic diseases. Identifiers: MedGen C0950123, MeSH D030342.
Autosomal recessive limb-girdle muscular dystrophy type 2Q (LGMDR17). Also called: MUSCULAR DYSTROPHY, LIMB-GIRDLE, AUTOSOMAL RECESSIVE 17. Identifiers: Orphanet 254361, MedGen C3150989, MONDO:0013390, OMIM 613723.
Epidermolysis bullosa simplex 5B, with muscular dystrophy (EBS5B). Also called: EPIDERMOLYSIS BULLOSA SIMPLEX AND LIMB-GIRDLE MUSCULAR DYSTROPHY; Epidermolysis bullosa simplex with muscular dystrophy. Identifiers: Orphanet 257, MedGen C2931072, MONDO:0009181, OMIM 226670.
Epidermolysis bullosa simplex, Ogna type (EBS5A). Also called: Pidermolysis bullosa simplex 5A, Ogna type; EPIDERMOLYSIS BULLOSA SIMPLEX 5A, OGNA TYPE. Identifiers: Orphanet 79401, MedGen C0432317, MONDO:0007555, OMIM 131950.
Epidermolysis bullosa simplex with nail dystrophy (EBS5D). Identifiers: MedGen C4225309, MONDO:0014661, OMIM 616487.
Epidermolysis bullosa simplex 5C, with pyloric atresia (EBS5C). Also called: PLEC-Related Epidermolysis Bullosa with Pyloric Atresia; Epidermolysis bullosa simplex with pyloric atresia; PLEC1-Related Epidermolysis Bullosa with Pyloric Atresia. Identifiers: Orphanet 158684, MedGen C2677349, MONDO:0012807, OMIM 612138.
PLEC-related disorder. Also called: PLEC-related disorders; PLEC-related condition.

Allele frequency attached by ClinVar (database versions not stated): TOPMed 0.00002; gnomAD 0.00004 and 0.00005; gnomAD exomes 0.00010; 1000 Genomes Project 30x 0.00016; ExAC 0.00018; 1000 Genomes Project 0.00020.
gnomAD v4.1: 73 of 1,591,430 alleles (0.0046%); highest among the groups gnomAD compares: South Asian, 0.044%; 1 homozygote.

Submissions (6):

PreventionGenetics, part of Exact Sciences
Classification: Uncertain significance for PLEC-related condition. Last evaluated: 2026-03-12. Review status: criteria provided, single submitter. Criteria: ACMG Guidelines, 2015. Collection method: clinical testing. Allele origin: germline.
Comment: The PLEC c.4328G>A variant is predicted to result in the amino acid substitution p.Arg1443His. To our knowledge, this variant has not been reported in the literature. This variant is reported in 0.059% of alleles in individuals of South Asian descent in gnomAD, which may be too frequent to be a primary cause of disease. Although we suspect that this variant may be benign, at this time, the clinical significance of this variant is uncertain due to the absence of conclusive functional and genetic evidence.

Blueprint Genetics
Classification: Likely benign. Last evaluated: 2024-07-15. Review status: criteria provided, single submitter. Criteria: ACMG Guidelines, 2015. Collection method: clinical testing. Allele origin: germline.

Labcorp Genetics (formerly Invitae), Labcorp
Classification: Likely benign for Autosomal recessive limb-girdle muscular dystrophy type 2Q; Epidermolysis bullosa simplex, Ogna type; Epidermolysis bullosa simplex with nail dystrophy; Epidermolysis bullosa simplex 5C, with pyloric atresia; Epidermolysis bullosa simplex 5B, with muscular dystrophy. Last evaluated: 2024-03-13. Review status: criteria provided, single submitter. Criteria: Invitae Variant Classification Sherloc (09022015). Collection method: clinical testing. Allele origin: germline.

Ambry Genetics
Classification: Uncertain significance for Inborn genetic diseases. Last evaluated: 2023-08-14. Review status: criteria provided, single submitter. Criteria: Ambry Variant Classification Scheme 2023. Collection method: clinical testing. Allele origin: germline.

Revvity Omics, Revvity
Classification: Uncertain significance. Last evaluated: 2019-10-31. Review status: criteria provided, single submitter. Criteria: ACMG Guidelines, 2015. Collection method: clinical testing. Allele origin: germline.

Eurofins Ntd Llc (ga)
Classification: Uncertain significance. Last evaluated: 2017-02-24. Review status: criteria provided, single submitter. Criteria: EGL Classification Definitions 2015. Collection method: clinical testing. Allele origin: germline. Observed: 2 variant alleles, 2 heterozygotes.